The following is an entry in ClinVar:

NM_020442.6(VARS2):c.1272C>T (p.Ser424=)

Gene: VARS2 (valyl-tRNA synthetase 2, mitochondrial; plus strand). Cytogenetic location: 6p21.33.
Variant type: single nucleotide variant.
Coding change: c.1272C>T on transcript NM_020442.6 (MANE Select); coding-DNA position 1272, C replaced by T.
Protein change: p.Ser424=; no amino-acid change (serine 424 retained).
Molecular consequence: synonymous variant.
Genome position (GRCh38, 1-based): chr6:30,920,195, C>T. VCF-style: chr6-30920195-C-T. GRCh37 (hg19) VCF-style: chr6-30887972-C-T.
Other names: c.852C>T, p.Ser284= (NM_001167733.3); c.1362C>T, p.Ser454= (NM_001167734.2).
Identifiers: ClinVar variation 380152 (VCV000380152.17), dbSNP rs2285319, ClinGen allele CA3705856.
Genomic context (GRCh38, chr6:30,920,195, plus strand): 5'-GGGGGCCCGACATGGCTTGAGCCCCTTGAATGTCATTGCGGAGGATGGGACCATGACCTC[C>T]CTCTGCGGGGACTGGCTGCAGGTGGTACCACCCTATGTTACCCCATCCTTTGGGGGCTCT-3'
Protein context (NP_065175.4, residues 414-434): NVIAEDGTMT[Ser424=]LCGDWLQGLH

ClinVar aggregate classification (germline): Benign. Review status: criteria provided, multiple submitters, no conflicts (2 of 4 stars). 6 submissions from 6 submitters: Benign (5). 1 of the submissions does not count toward it. Last evaluated 2026-02-03.

Conditions:
Combined oxidative phosphorylation defect type 20. Also called: Combined oxidative phosphorylation deficiency 20. Identifiers: Orphanet 420728, MedGen C4014660, MONDO:0014397, OMIM 615917.

Allele frequency attached by ClinVar (database versions not stated): ESP Exome Variant Server 0.18685; gnomAD 0.22709 and 0.24082; TOPMed 0.24505; ExAC 0.28546; gnomAD exomes 0.29283; 1000 Genomes Project 30x 0.38413; 1000 Genomes Project 0.39397.
gnomAD v4.1: 331,985 of 1,582,470 alleles (21%); highest among the groups gnomAD compares: East Asian, 57%; 44,673 homozygotes.

Submissions (6):

Labcorp Genetics (formerly Invitae), Labcorp
Classification: Benign. Last evaluated: 2026-02-03. Review status: criteria provided, single submitter. Criteria: Invitae Variant Classification Sherloc (09022015). Collection method: clinical testing. Allele origin: germline.

Blueprint Genetics
Classification: Benign. Last evaluated: 2024-11-27. Review status: criteria provided, single submitter. Criteria: ACMG Guidelines, 2015. Collection method: clinical testing. Allele origin: germline.

Unidad de Genómica Garrahan, Hospital de Pediatría Garrahan
Classification: Benign. Last evaluated: 2024-07-31. Review status: criteria provided, single submitter. Criteria: ACMG Guidelines, 2015. Collection method: clinical testing. Allele origin: germline. Affected: no. Observed: 54 variant alleles.
Comment: This variant is classified as Benign based on local population frequency. This variant was detected in 58% of patients studied in a panel designed for Epileptic and Developmental Encephalopathy, Progressive Myoclonus Epilepsy and Abnormal Movements and Neurodegeneration with brain iron accumulation. Number of patients: 54. Only high quality variants are reported.

Genome-Nilou Lab
Classification: Benign for Combined oxidative phosphorylation defect type 20. Last evaluated: 2021-12-05. Review status: criteria provided, single submitter. Criteria: ACMG Guidelines, 2015. Collection method: clinical testing. Allele origin: germline. Affected: no.

GeneDx
Classification: Benign. Last evaluated: 2015-12-22. Review status: criteria provided, single submitter. Criteria: GeneDx Variant Classification (06012015). Collection method: clinical testing. Allele origin: germline. Affected: yes.
Comment: This variant is considered likely benign or benign based on one or more of the following criteria: it is a conservative change, it occurs at a poorly conserved position in the protein, it is predicted to be benign by multiple in silico algorithms, and/or has population frequency not consistent with disease.

Mayo Clinic Laboratories, Mayo Clinic
Classification: Benign. Last evaluated: 2016-02-23. Review status: no assertion criteria provided. Collection method: clinical testing. Allele origin: unknown. Not counted in ClinVar's aggregate classification.